The following is an entry in ClinVar:

NM_001376.5(DYNC1H1):c.11774A>G (p.Gln3925Arg)

Gene: DYNC1H1 (dynein cytoplasmic 1 heavy chain 1; plus strand). Cytogenetic location: 14q32.31.
Variant type: single nucleotide variant.
Coding change: c.11774A>G on transcript NM_001376.5 (MANE Select); coding-DNA position 11774, A replaced by G.
Protein change: p.Gln3925Arg; replaces glutamine 3925 with arginine.
Molecular consequence: missense variant.
Genome position (GRCh38, 1-based): chr14:102,040,319, A>G. VCF-style: chr14-102040319-A-G. GRCh37 (hg19) VCF-style: chr14-102506656-A-G.
Other names: short protein forms Q3925R.
Identifiers: ClinVar variation 1002755 (VCV001002755.30), dbSNP rs760510345, ClinGen allele CA7353718.

ClinVar aggregate classification (germline): Conflicting classifications of pathogenicity. Review status: criteria provided, conflicting classifications (1 of 4 stars). 2 submissions from 2 submitters: Uncertain significance (1); Likely benign (1). Last evaluated 2025-12-15.

Conditions:
Charcot-Marie-Tooth disease axonal type 2O. Also called: Charcot-Marie-Tooth Neuropathy Type 2O; Charcot-Marie-Tooth disease, axonal, type 20; CHARCOT-MARIE-TOOTH DISEASE, AXONAL, AUTOSOMAL DOMINANT, TYPE 2O; CHARCOT-MARIE-TOOTH NEUROPATHY, AXONAL, TYPE 2O. Identifiers: Orphanet 284232, MedGen C3280220, MONDO:0013644, OMIM 614228.

Allele frequency attached by ClinVar (database versions not stated): gnomAD 0.00001; gnomAD exomes 0.00001; ExAC 0.00002; TOPMed 0.00002.
gnomAD v4.1: 17 of 1,614,088 alleles (0.0011%); highest among the groups gnomAD compares: Non-Finnish European, 0.0014%; no homozygotes.

Submissions (2):

Labcorp Genetics (formerly Invitae), Labcorp
Classification: Likely benign for Charcot-Marie-Tooth disease axonal type 2O. Last evaluated: 2025-12-15. Review status: criteria provided, single submitter. Criteria: Invitae Variant Classification Sherloc (09022015). Collection method: clinical testing. Allele origin: germline.

CeGaT Center for Human Genetics Tuebingen
Classification: Uncertain significance. Last evaluated: 2023-03-01. Review status: criteria provided, single submitter. Criteria: CeGaT Center For Human Genetics Tuebingen Variant Classification Criteria Version 2. Collection method: clinical testing. Allele origin: germline. Affected: yes. Observed: 1 variant allele.
Comment: DYNC1H1: PM2:Supporting, BP4